The following is an entry in ClinVar:

ClinVar aggregate classification (germline): Uncertain significance (1 of 4 stars; one submission).

Submission:

Ambry Genetics
Classification: Uncertain significance. Last evaluated: 2021-12-12. Review status: criteria provided, single submitter. Criteria: Ambry Variant Classification Scheme 2023. Collection method: clinical testing. Allele origin: germline.
Comment: The p.P327S variant (also known as c.979C>T), located in coding exon 9 of the RAD54L gene, results from a C to T substitution at nucleotide position 979. The proline at codon 327 is replaced by serine, an amino acid with similar properties. This amino acid position is conserved. In addition, this alteration is predicted to be deleterious by in silico analysis. Since supporting evidence is limited at this time, the clinical significance of this alteration remains unclear.

NM_003579.4(RAD54L):c.979C>T (p.Pro327Ser)

Gene: RAD54L (RAD54 like; plus strand). Cytogenetic location: 1p34.1.
Variant type: single nucleotide variant.
Coding change: c.979C>T on transcript NM_003579.4 (MANE Select); coding-DNA position 979, C replaced by T.
Protein change: p.Pro327Ser; replaces proline 327 with serine.
Molecular consequence: missense variant.
Genome position (GRCh38, 1-based): chr1:46,267,546, C>T. VCF-style: chr1-46267546-C-T. GRCh37 (hg19) VCF-style: chr1-46733218-C-T.
Other names: c.979C>T, p.Pro327Ser (NM_001142548.2); c.439C>T, p.Pro147Ser (NM_001370766.1); short protein forms P327S, P147S.
Identifiers: ClinVar variation 1768223 (VCV001768223.2), dbSNP rs2148295083, ClinGen allele CA340192453.